The following is an entry in ClinVar:

NM_001136191.3(KANK2):c.368G>A (p.Arg123Gln)

Gene: KANK2 (KN motif and ankyrin repeat domains 2; minus strand). Cytogenetic location: 19p13.2.
Variant type: single nucleotide variant.
Coding change: c.368G>A on transcript NM_001136191.3 (MANE Select); coding-DNA position 368, G replaced by A.
Protein change: p.Arg123Gln; replaces arginine 123 with glutamine.
Molecular consequence: missense variant.
Genome position (GRCh38, 1-based): chr19:11,193,712, C>T on the plus strand (G>A on the coding strand, the complement: KANK2 is on the minus strand). VCF-style: chr19-11193712-C-T. GRCh37 (hg19) VCF-style: chr19-11304388-C-T.
Other names: c.368G>A, p.Arg123Gln (NM_001329451.2, NM_001379548.1, NM_001379549.1 and 15 more transcripts); short protein forms R123Q.
Identifiers: ClinVar variation 2219908 (VCV002219908.4), dbSNP rs750716545, ClinGen allele CA9206089.
Genomic context (GRCh38, chr19:11,193,712, plus strand): 5'-GTGGGTGTGGCCGCCTGGTCCTCGAGACGGCGACGGGCATCCAGCAGCGTGCGCTCCACC[C>T]GCGGATTGAAGCCACCGCGGGTCTCCAGAGCACCATACTGAGGGTAGAAGCCACGGCCGC-3'
Protein context (NP_001129663.1, residues 113-133): ALETRGGFNP[Arg123Gln]VERTLLDARR

ClinVar aggregate classification (germline): Uncertain significance. Review status: criteria provided, multiple submitters, no conflicts (2 of 4 stars). 2 submissions from 2 submitters: Uncertain significance (2). Last evaluated 2024-05-12.

gnomAD v4.1: 23 of 1,612,072 alleles (0.0014%); highest among the groups gnomAD compares: South Asian, 0.0022%; no homozygotes.

Submissions (2):

Labcorp Genetics (formerly Invitae), Labcorp
Classification: Uncertain significance. Last evaluated: 2024-05-12. Review status: criteria provided, single submitter. Criteria: Invitae Variant Classification Sherloc (09022015). Collection method: clinical testing. Allele origin: germline.
Comment: This sequence change replaces arginine, which is basic and polar, with glutamine, which is neutral and polar, at codon 123 of the KANK2 protein (p.Arg123Gln). This variant is present in population databases (rs750716545, gnomAD 0.003%). This variant has not been reported in the literature in individuals affected with KANK2-related conditions. ClinVar contains an entry for this variant (Variation ID: 2219908). An algorithm developed to predict the effect of missense changes on protein structure and function (PolyPhen-2) suggests that this variant is likely to be disruptive. In summary, the available evidence is currently insufficient to determine the role of this variant in disease. Therefore, it has been classified as a Variant of Uncertain Significance.

Ambry Genetics
Classification: Uncertain significance. Last evaluated: 2021-08-13. Review status: criteria provided, single submitter. Criteria: Ambry Variant Classification Scheme 2023. Collection method: clinical testing. Allele origin: germline.